The following is an entry in ClinVar:

NM_000393.5(COL5A2):c.1563+262C>T

Gene: COL5A2 (collagen type V alpha 2 chain; minus strand). Cytogenetic location: 2q32.2.
Variant type: single nucleotide variant.
Coding change: c.1563+262C>T on transcript NM_000393.5 (MANE Select); 262 bases into the intron after coding-DNA position 1563, C replaced by T.
Molecular consequence: intron variant.
Genome position (GRCh38, 1-based): chr2:189,066,128, G>A on the plus strand (C>T on the coding strand, the complement: COL5A2 is on the minus strand). VCF-style: chr2-189066128-G-A. GRCh37 (hg19) VCF-style: chr2-189930854-G-A.
Identifiers: ClinVar variation 681211 (VCV000681211.1), dbSNP rs6434316, ClinGen allele CA15212649.

ClinVar aggregate classification (germline): Benign (1 of 4 stars; one submission).

Allele frequency attached by ClinVar (database versions not stated): 1000 Genomes Project 30x 0.63788; 1000 Genomes Project 0.64177; TOPMed 0.69317; gnomAD 0.71133 and 0.71226.
gnomAD v4.1: 108,282 of 152,138 alleles (71%); highest among the groups gnomAD compares: Non-Finnish European, 81%; 39,532 homozygotes.

Submission:

GeneDx
Classification: Benign. Last evaluated: 2018-06-14. Review status: criteria provided, single submitter. Criteria: GeneDx Variant Classification (06012015). Collection method: clinical testing. Allele origin: germline. Affected: yes.
Comment: This variant is considered likely benign or benign based on one or more of the following criteria: it is a conservative change, it occurs at a poorly conserved position in the protein, it is predicted to be benign by multiple in silico algorithms, and/or has population frequency not consistent with disease.